The following is an entry in ClinVar:

ClinVar aggregate classification (germline): Conflicting classifications of pathogenicity. Review status: criteria provided, conflicting classifications (1 of 4 stars). 11 submissions from 11 submitters: Uncertain significance (2); Likely benign (6). 3 of the submissions do not count toward it. Last evaluated 2026-09-23.

Conditions:
BRCA2-related disorder. Also called: BRCA2-related condition; BRCA2-related disorders. Identifiers: MedGen CN239275.
Hereditary cancer-predisposing syndrome. Also called: Hereditary Cancer Syndrome; Neoplastic Syndromes, Hereditary; Hereditary neoplastic syndrome; Tumor predisposition. Identifiers: Orphanet 140162, MedGen C0027672, MeSH D009386, MONDO:0015356.
Hereditary breast ovarian cancer syndrome. Also called: Hereditary breast and ovarian cancer syndrome; Breast and ovarian cancer; BRCA1- and BRCA2-Associated Hereditary Breast and Ovarian Cancer; Hereditary breast and/or ovarian cancer syndrome; Hereditary breast and ovarian cancer; Hereditary breast and ovarian cancer syndrome (HBOC). Identifiers: Orphanet 145, MedGen C0677776, MeSH D061325, MONDO:0003582. Disease mechanism: loss of function.
Breast-ovarian cancer, familial, susceptibility to, 2 (BROVCA2). Also called: BRCA2 Hereditary Breast and Ovarian Cancer. Identifiers: Orphanet 145, MedGen C2675520, MONDO:0012933, OMIM 612555. Disease mechanism: loss of function.
Malignant tumor of breast. Also called: Malignant breast neoplasm; Cancer breast. Identifiers: MedGen C0006142, MONDO:0007254. Disease mechanism: loss of function.

Allele frequency attached by ClinVar (database versions not stated): gnomAD exomes below 0.00001.
gnomAD v4.1: 4 of 1,603,498 alleles (0.00025%); highest among the groups gnomAD compares: East Asian, 0.0045%; no homozygotes.

Submissions (11):

PreventionGenetics, part of Exact Sciences
Classification: Likely benign for BRCA2-related condition. Last evaluated: 2026-09-23. Review status: criteria provided, single submitter. Criteria: ACMG Guidelines, 2015. Collection method: clinical testing. Allele origin: germline.
Comment: This variant is classified as likely benign based on ACMG/AMP sequence variant interpretation guidelines (Richards et al. 2015 PMID: 25741868, with internal and published modifications).

Labcorp Genetics (formerly Invitae), Labcorp
Classification: Likely benign for Hereditary breast ovarian cancer syndrome. Last evaluated: 2026-01-19. Review status: criteria provided, single submitter. Criteria: Invitae Variant Classification Sherloc (09022015). Collection method: clinical testing. Allele origin: germline.

Quest Diagnostics Nichols Institute San Juan Capistrano
Classification: Uncertain significance. Last evaluated: 2025-04-17. Review status: criteria provided, single submitter. Criteria: Quest Diagnostics criteria. Collection method: clinical testing. Allele origin: unknown.
Comment: The BRCA2 c.5171T>C (p.Ile1724Thr) variant has been reported in the published literature in individuals with lung cancer (PMID: 29906251 (2018)) and esophageal cancer (PMID: 31396961 (2020)). This variant has also been observed in a reportedly healthy individual (PMID: 33471991 (2021), see LOVD), and described to be located in a region of the BRCA2 gene that is tolerant to missense sequence changes (PMID: 31911673 (2020)). This variant has not been reported in large, multi-ethnic general populations (Genome Aggregation Database). Analysis of this variant using bioinformatics tools for the prediction of the effect of amino acid changes on protein structure and function yielded predictions that this variant is benign. Based on the available information, we are unable to determine the clinical significance of this variant.

Women's Health and Genetics/Laboratory Corporation of America, LabCorp
Classification: Uncertain significance. Last evaluated: 2024-02-06. Review status: criteria provided, single submitter. Criteria: LabCorp Variant Classification Summary - May 2015. Collection method: clinical testing. Allele origin: germline.
Comment: Variant summary: BRCA2 c.5171T>C (p.Ile1724Thr) results in a non-conservative amino acid change in the encoded protein sequence. Four of five in-silico tools predict a benign effect of the variant on protein function. The variant was absent in 244828 control chromosomes (gnomAD and publication data). The available data on variant occurrences in the general population are insufficient to allow any conclusion about variant significance. c.5171T>C has been reported in the literature in individuals affected with lung cancer and esophageal squamous cell carcinoma (e.g., Pietanza_2018, Ko_2019). These reports do not provide unequivocal conclusions about association of the variant with Hereditary Breast And Ovarian Cancer Syndrome. Several publications have performed prediction analyses to classify the variant using several methods which incorporate data from probability of pathogenicity calculations and/or in silico tools, and have classified the variant as likely benign (e.g., Padilla_2019, Cline_2019, Parsons_2019). However, to our knowledge, no experimental evidence demonstrating an impact on protein function has been reported. The following publications have been ascertained in the context of this evaluation (PMID: 31294896, 24817641, 28301460, 31396961, 31112341, 31131967, 29906251). ClinVar contains an entry for this variant (Variation ID: 51803). Based on the evidence outlined above, the variant was classified as uncertain significance.

University of Washington Department of Laboratory Medicine, University of Washington
Classification: Likely benign for Hereditary cancer-predisposing syndrome. Last evaluated: 2023-03-23. Review status: criteria provided, single submitter. Criteria: Dines et al. (Genet Med. 2020). Collection method: curation. Allele origin: germline.
Comment: Missense variant in a coldspot region where missense variants are very unlikely to be pathogenic (PMID:31911673).

BRCA2 exon 11 coldspot. Reclassification based on statistical prior probability.

GeneDx
Classification: Likely benign. Last evaluated: 2020-12-14. Review status: criteria provided, single submitter. Criteria: GeneDx Variant Classification Process June 2021. Collection method: clinical testing. Allele origin: germline. Affected: yes.
Comment: This variant is associated with the following publications: (PMID: 24817641, 26295337, 30212499, 28301460, 29906251)

Color Diagnostics, LLC DBA Color Health
Classification: Likely benign for Hereditary cancer-predisposing syndrome. Last evaluated: 2018-06-13. Review status: criteria provided, single submitter. Criteria: ACMG Guidelines, 2015. Collection method: clinical testing. Allele origin: germline.

Ambry Genetics
Classification: Likely benign for Hereditary cancer-predisposing syndrome. Last evaluated: 2018-01-17. Review status: criteria provided, single submitter. Criteria: Ambry Variant Classification Scheme 2023. Collection method: clinical testing. Allele origin: germline.

Counsyl
Classification: Uncertain significance for Breast-ovarian cancer, familial, susceptibility to, 2. Last evaluated: 2016-02-19. Review status: no assertion criteria provided. Collection method: clinical testing. Allele origin: unknown. Not counted in ClinVar's aggregate classification.

Breast Cancer Information Core (BIC) (BRCA2)
Classification: Uncertain significance for Breast-ovarian cancer, familial 2. Last evaluated: 2002-05-29. Review status: no assertion criteria provided. Collection method: clinical testing. Allele origin: germline. Affected: yes. Observed: 3 variant alleles. Not counted in ClinVar's aggregate classification.

Department of Pathology and Laboratory Medicine, Sinai Health System
Classification: Likely benign for Malignant tumor of breast. Review status: no assertion criteria provided. Collection method: clinical testing. Allele origin: unknown. Affected: yes. Study: The Canadian Open Genetics Repository (COGR). Not counted in ClinVar's aggregate classification.
Comment: The p.Ile1724Thr variant has been previously reported in the BIC database with unknown clinical significance in three individuals; This residue is not conserved in mammals and computational analyses (SIFT, AlignGVGD) do not suggest a high likelihood of impact to the protein. However, this information is not predictive enough to rule out pathogenicity. This variant is listed in dbSNP with no frequency information (ID#:rs80358743). Another variant at the same amino acid position (c.5170A>G p.Ile1724Val) is listed as a polymorphism in dbSNP rs35335654 with an average heterozygosity of 0.027+/-0.112, increasing the likelihood the p.Ile1724Thr variant does not have clinical significance. In summary, based on the above information, the clinical significance of this variant cannot be determined with certainty although we would lean towards a more benign role for this variant. This variant is classified as Predicted Benign.

Literature cited by the submitters: PubMed 38271184 (cited by Quest Diagnostics Nichols Institute San Juan Capistrano); PubMed 33471991 (cited by Quest Diagnostics Nichols Institute San Juan Capistrano); PubMed 28301460 (cited by Quest Diagnostics Nichols Institute San Juan Capistrano and Women's Health and Genetics/Laboratory Corporation of America, LabCorp); PubMed 29906251 (cited by Quest Diagnostics Nichols Institute San Juan Capistrano and Women's Health and Genetics/Laboratory Corporation of America, LabCorp); PubMed 31112341 (cited by Quest Diagnostics Nichols Institute San Juan Capistrano and Women's Health and Genetics/Laboratory Corporation of America, LabCorp); PubMed 31294896 (cited by Quest Diagnostics Nichols Institute San Juan Capistrano and Women's Health and Genetics/Laboratory Corporation of America, LabCorp); PubMed 31911673 (cited by Quest Diagnostics Nichols Institute San Juan Capistrano); PubMed 24817641 (cited by 3 submitters); PubMed 31396961 (cited by Quest Diagnostics Nichols Institute San Juan Capistrano and Women's Health and Genetics/Laboratory Corporation of America, LabCorp); PubMed 26295337 (cited by Quest Diagnostics Nichols Institute San Juan Capistrano); PubMed 31131967 (cited by Women's Health and Genetics/Laboratory Corporation of America, LabCorp).

NM_000059.4(BRCA2):c.5171T>C (p.Ile1724Thr)

Gene: BRCA2 (BRCA2 DNA repair associated; plus strand). Cytogenetic location: 13q13.1.
Variant type: single nucleotide variant.
Coding change: c.5171T>C on transcript NM_000059.4 (MANE Select); coding-DNA position 5171, T replaced by C.
Protein change: p.Ile1724Thr; replaces isoleucine 1724 with threonine.
Molecular consequence: missense variant.
Genome position (GRCh38, 1-based): chr13:32,339,526, T>C. VCF-style: chr13-32339526-T-C. GRCh37 (hg19) VCF-style: chr13-32913663-T-C.
Other names: p.I1724T:ATA>ACA; short protein forms I1724T.
Identifiers: ClinVar variation 51803 (VCV000051803.36), dbSNP rs80358743, ClinGen allele CA021569.
Genomic context (GRCh38, chr13:32,339,526, plus strand): 5'-GAATAAATACTGCAGATTATGTAGGAAATTATTTGTATGAAAATAATTCAAACAGTACTA[T>C]AGCTGAAAATGACAAAAATCATCTCTCCGAAAAACAAGATACTTATTTAAGTAACAGTAG-3'
Protein context (NP_000050.3, residues 1714-1734): YLYENNSNST[Ile1724Thr]AENDKNHLSE